The following is an entry in ClinVar:

NM_014915.3(ANKRD26):c.2228_2231del (p.Lys743fs)

Gene: ANKRD26 (ankyrin repeat domain 26; minus strand). Cytogenetic location: 10p12.1.
Variant type: Deletion.
Coding change: c.2228_2231del on transcript NM_014915.3 (MANE Select); coding-DNA positions 2228 to 2231, 4 bases deleted (AAAA; older notation c.2228_2231delAAAA).
Protein change: p.Lys743fs; shifts the reading frame from lysine 743.
Molecular consequence: frameshift variant.
Genome position (GRCh38, 1-based): chr10:27,040,109-27,040,112, TTTT deleted on the plus strand (AAAA on the coding strand, the reverse complement: ANKRD26 is on the minus strand); deleting any 4 consecutive bases within chr10:27,040,109-27,040,116 gives the same sequence; the c. name uses the placement nearest the transcript's 3' end. VCF-style (leftmost placement, unchanged base first): chr10-27040108-ATTTT-A. GRCh37 (hg19) VCF-style: chr10-27329037-ATTTT-A.
Other names: c.2225_2228del, p.Lys742fs (NM_001256053.2); short protein forms K742fs, K743fs.
Identifiers: ClinVar variation 4728050 (VCV004728050.1).

ClinVar aggregate classification (germline): Uncertain significance (1 of 4 stars; one submission).

Submission:

Labcorp Genetics (formerly Invitae), Labcorp
Classification: Uncertain significance. Last evaluated: 2025-10-14. Review status: criteria provided, single submitter. Criteria: Invitae Variant Classification Sherloc (09022015). Collection method: clinical testing. Allele origin: germline.
Comment: This sequence change creates a premature translational stop signal (p.Lys743Ilefs*8) in the ANKRD26 gene. It is expected to result in an absent or disrupted protein product. However, the current clinical and genetic evidence is not sufficient to establish whether loss-of-function variants in ANKRD26 cause disease. This variant is not present in population databases (gnomAD no frequency). This variant has not been reported in the literature in individuals affected with ANKRD26-related conditions. In summary, the available evidence is currently insufficient to determine the role of this variant in disease. Therefore, it has been classified as a Variant of Uncertain Significance.